The following is an entry in ClinVar:

NM_003072.5(SMARCA4):c.2721del (p.Leu908fs)

Gene: SMARCA4 (SWI/SNF related BAF chromatin remodeling complex subunit ATPase 4; plus strand). Cytogenetic location: 19p13.2.
Variant type: Deletion.
Coding change: c.2721del on transcript NM_003072.5 (MANE Select); coding-DNA position 2721, one base deleted (G; older notation c.2721delG).
Protein change: p.Leu908fs; shifts the reading frame from leucine 908.
Molecular consequence: frameshift variant. On other transcripts: non-coding transcript variant (1).
Genome position (GRCh38, 1-based): chr19:11,021,829, G deleted. VCF-style (leftmost placement, unchanged base first): chr19-11021828-TG-T. GRCh37 (hg19) VCF-style: chr19-11132504-TG-T.
Other names: c.2721del, p.Leu908fs (NM_001128844.3, NM_001128845.2, NM_001128846.2 and 6 more transcripts); short protein forms L908fs.
Identifiers: ClinVar variation 3798875 (VCV003798875.1).
Genomic context (GRCh38, chr19:11,021,828, plus strand): 5'-AGAACCACCACTGCAAGCTGACGCAGGTGCTCAACACGCACTATGTGGCACCCCGCCGCC[TG>T]CTGCTGACGGGCACACCGCTGCAGAACAAGCTTCCCGAGCTCTGGGCGCTGCTCAACTTC-3'

ClinVar aggregate classification (germline): Pathogenic (1 of 4 stars; one submission).

Conditions:
Hereditary cancer-predisposing syndrome. Also called: Neoplastic Syndromes, Hereditary; Hereditary Cancer Syndrome; Tumor predisposition; Hereditary neoplastic syndrome. Identifiers: Orphanet 140162, MedGen C0027672, MeSH D009386, MONDO:0015356.

Submission:

Ambry Genetics
Classification: Pathogenic for Hereditary cancer-predisposing syndrome. Last evaluated: 2024-12-16. Review status: criteria provided, single submitter. Criteria: Ambry Variant Classification Scheme 2023. Collection method: clinical testing. Allele origin: germline.
Comment: The c.2721delG pathogenic mutation, located in coding exon 18 of the SMARCA4 gene, results from a deletion of one nucleotide at nucleotide position 2721, causing a translational frameshift with a predicted alternate stop codon (p.L908Cfs*2). Loss-of-function variants in SMARCA4 are known to cause rhabdoid tumor predisposition syndrome including small cell carcinoma of the ovary-hypercalcemic type (SCCOHT); however, such associations with neurodevelopmental disorders are exceedingly rare (Kosho T et al. Am J Med Genet C Semin Med Genet. 2014 Sep;166C(3):262-75; Jelinic P et al. Nat Genet. 2014 May;46(5):424-6). Based on the supporting evidence, this alteration is pathogenic for rhabdoid tumor predisposition syndrome; however, the association of this alteration with Coffin-Siris syndrome is unlikely.